The following is an entry in ClinVar:

NM_006796.3(AFG3L2):c.59A>T (p.Gln20Leu)

Gene: AFG3L2 (AFG3 like matrix AAA peptidase subunit 2; minus strand). Cytogenetic location: 18p11.21.
Variant type: single nucleotide variant.
Coding change: c.59A>T on transcript NM_006796.3 (MANE Select); coding-DNA position 59, A replaced by T.
Protein change: p.Gln20Leu; replaces glutamine 20 with leucine.
Molecular consequence: missense variant.
Genome position (GRCh38, 1-based): chr18:12,377,024, T>A on the plus strand (A>T on the coding strand, the complement: AFG3L2 is on the minus strand). VCF-style: chr18-12377024-T-A. GRCh37 (hg19) VCF-style: chr18-12377023-T-A.
Other names: short protein forms Q20L.
Identifiers: ClinVar variation 3632707 (VCV003632707.2).

ClinVar aggregate classification (germline): Uncertain significance (1 of 4 stars; one submission).

Submission:

Labcorp Genetics (formerly Invitae), Labcorp
Classification: Uncertain significance. Last evaluated: 2024-02-03. Review status: criteria provided, single submitter. Criteria: Invitae Variant Classification Sherloc (09022015). Collection method: clinical testing. Allele origin: germline.
Comment: This sequence change replaces glutamine, which is neutral and polar, with leucine, which is neutral and non-polar, at codon 20 of the AFG3L2 protein (p.Gln20Leu). This variant is not present in population databases (gnomAD no frequency). This variant has not been reported in the literature in individuals affected with AFG3L2-related conditions. Advanced modeling of protein sequence and biophysical properties (such as structural, functional, and spatial information, amino acid conservation, physicochemical variation, residue mobility, and thermodynamic stability) performed at Invitae indicates that this missense variant is not expected to disrupt AFG3L2 protein function with a negative predictive value of 95%. In summary, the available evidence is currently insufficient to determine the role of this variant in disease. Therefore, it has been classified as a Variant of Uncertain Significance.